The following is an entry in ClinVar:

NM_005787.6(ALG3):c.1267G>T (p.Gly423Cys)

Gene: ALG3 (ALG3 alpha-1,3- mannosyltransferase; minus strand). Cytogenetic location: 3q27.1.
Variant type: single nucleotide variant.
Coding change: c.1267G>T on transcript NM_005787.6 (MANE Select); coding-DNA position 1267, G replaced by T.
Protein change: p.Gly423Cys; replaces glycine 423 with cysteine.
Molecular consequence: missense variant. On other transcripts: non-coding transcript variant (2).
Genome position (GRCh38, 1-based): chr3:184,242,564, C>A on the plus strand (G>T on the coding strand, the complement: ALG3 is on the minus strand). VCF-style: chr3-184242564-C-A. GRCh37 (hg19) VCF-style: chr3-183960352-C-A.
Other names: c.1123G>T, p.Gly375Cys (NM_001006941.2); short protein forms G375C, G423C.
Identifiers: ClinVar variation 4748005 (VCV004748005.1).

ClinVar aggregate classification (germline): Uncertain significance (1 of 4 stars; one submission).

Conditions:
ALG3-congenital disorder of glycosylation. Also called: CARBOHYDRATE-DEFICIENT GLYCOPROTEIN SYNDROME, TYPE IV; CDGS, TYPE IV; ALG3-CDG; CONGENITAL DISORDER OF GLYCOSYLATION, TYPE Id; CDG Id. Identifiers: Orphanet 79321, MedGen C1832736, MONDO:0010998, OMIM 601110.

Submission:

Labcorp Genetics (formerly Invitae), Labcorp
Classification: Uncertain significance for ALG3-congenital disorder of glycosylation. Last evaluated: 2025-12-15. Review status: criteria provided, single submitter. Criteria: Invitae Variant Classification Sherloc (09022015). Collection method: clinical testing. Allele origin: germline.
Comment: This sequence change replaces glycine, which is neutral and non-polar, with cysteine, which is neutral and slightly polar, at codon 423 of the ALG3 protein (p.Gly423Cys). This variant is present in population databases (rs774931482, gnomAD 0.0009%). This variant has not been reported in the literature in individuals affected with ALG3-related conditions. Invitae Evidence Modeling of protein sequence and biophysical properties (such as structural, functional, and spatial information, amino acid conservation, physicochemical variation, residue mobility, and thermodynamic stability) indicates that this missense variant is not expected to disrupt ALG3 protein function with a negative predictive value of 80%. In summary, the available evidence is currently insufficient to determine the role of this variant in disease. Therefore, it has been classified as a Variant of Uncertain Significance.